The following is an entry in ClinVar:

NM_017617.5(NOTCH1):c.5639-174G>A

Gene: NOTCH1 (notch receptor 1; minus strand). Cytogenetic location: 9q34.3.
Variant type: single nucleotide variant.
Coding change: c.5639-174G>A on transcript NM_017617.5 (MANE Select); 174 bases into the intron before coding-DNA position 5639, G replaced by A.
Molecular consequence: intron variant.
Genome position (GRCh38, 1-based): chr9:136,501,021, C>T on the plus strand (G>A on the coding strand, the complement: NOTCH1 is on the minus strand). VCF-style: chr9-136501021-C-T. GRCh37 (hg19) VCF-style: chr9-139395473-C-T.
Identifiers: ClinVar variation 677905 (VCV000677905.1), dbSNP rs3124999, ClinGen allele CA13004098.

ClinVar aggregate classification (germline): Benign (1 of 4 stars; one submission).

Allele frequency attached by ClinVar (database versions not stated): gnomAD 0.43369 and 0.43854; TOPMed 0.45143; 1000 Genomes Project 30x 0.54653; 1000 Genomes Project 0.55371.
gnomAD v4.1: 66,484 of 152,102 alleles (44%); highest among the groups gnomAD compares: East Asian, 88%; 15,465 homozygotes.

Submission:

GeneDx
Classification: Benign. Last evaluated: 2018-06-18. Review status: criteria provided, single submitter. Criteria: GeneDx Variant Classification (06012015). Collection method: clinical testing. Allele origin: germline. Affected: yes.
Comment: This variant is considered likely benign or benign based on one or more of the following criteria: it is a conservative change, it occurs at a poorly conserved position in the protein, it is predicted to be benign by multiple in silico algorithms, and/or has population frequency not consistent with disease.